The following is an entry in ClinVar:

ClinVar aggregate classification (germline): Pathogenic/Likely pathogenic. Review status: criteria provided, multiple submitters, no conflicts (2 of 4 stars). 7 submissions from 7 submitters: Pathogenic (3); Likely pathogenic (2). 2 of the submissions do not count toward it. Last evaluated 2025-08-15.

Conditions:
CFTR-related disorder (CFTR-RD). Also called: CFTR-related condition; CFTR-related disorders. Identifiers: MedGen C5924204, MONDO:7770004.
Cystic fibrosis (CF). Also called: MUCOVISCIDOSIS. Identifiers: Orphanet 586, MedGen C0010674, MONDO:0009061, OMIM 219700. Disease mechanism: loss of function.

Submissions (7):

Labcorp Genetics (formerly Invitae), Labcorp
Classification: Pathogenic for Cystic fibrosis. Last evaluated: 2025-08-15. Review status: criteria provided, single submitter. Criteria: Invitae Variant Classification Sherloc (09022015). Collection method: clinical testing. Allele origin: germline.
Comment: This sequence change replaces leucine, which is neutral and non-polar, with serine, which is neutral and polar, at codon 571 of the CFTR protein (p.Leu571Ser). This variant is not present in population databases (gnomAD no frequency). This missense change has been observed in individual(s) with cystic fibrosis, pancreatic insufficiency, or pulmonary complications (PMID: 8535440, 9099843, 9439669, 9521595, 17331079). ClinVar contains an entry for this variant (Variation ID: 53356). Invitae Evidence Modeling of protein sequence and biophysical properties (such as structural, functional, and spatial information, amino acid conservation, physicochemical variation, residue mobility, and thermodynamic stability) indicates that this missense variant is expected to disrupt CFTR protein function with a positive predictive value of 80%. For these reasons, this variant has been classified as Pathogenic.

Women's Health and Genetics/Laboratory Corporation of America, LabCorp
Classification: Pathogenic for Cystic fibrosis. Last evaluated: 2025-05-15. Review status: criteria provided, single submitter. Criteria: LabCorp Variant Classification Summary - May 2015. Collection method: clinical testing. Allele origin: germline.
Comment: Variant summary: CFTR c.1712T>C (p.Leu571Ser) results in a non-conservative amino acid change in the encoded protein sequence. Algorithms developed to predict the effect of missense changes on protein structure and function all suggest that this variant is likely to be disruptive. The variant was absent in 250798 control chromosomes. c.1712T>C has been reported in the literature in a homozygous and at least two compound heterozygote individuals affected with Cystic Fibrosis (Onay 1998, Varon 1995, Lucarelli 2015, Lucarelli 2017). These data indicate that the variant is likely to be associated with disease. At least one publication reports experimental evidence evaluating an impact on protein function. The most pronounced variant effect results in <10% of normal activity (example, Bihler_2024). The following publications have been ascertained in the context of this evaluation (PMID: 17331079, 9099843, 9439669, 15121783, 12439892, 28736296, 25910067, 11446424, 25735457, 8535440, 26429520, 38388235). ClinVar contains an entry for this variant (Variation ID: 53356). Based on the evidence outlined above, the variant was classified as pathogenic.

Blueprint Genetics
Classification: Likely pathogenic for CFTR-related disorders. Last evaluated: 2024-04-19. Review status: criteria provided, single submitter. Criteria: ACMG Guidelines, 2015. Collection method: clinical testing. Allele origin: germline. Affected: yes. Observed: 1 variant allele.

Institute of Human Genetics, University of Leipzig Medical Center
Classification: Likely pathogenic for Cystic fibrosis. Last evaluated: 2022-09-05. Review status: criteria provided, single submitter. Criteria: ACMG Guidelines, 2015. Collection method: curation. Allele origin: unknown. Affected: yes. Observed: 2 variant alleles.
Comment: This variant was identified in 2 unrelated patients with a clinically confirmed diagnosis of cystic fibrosis. The variant was classified in the context of a project re-classifying variants in the German Cystic Fibrosis Registry (Muko.e.V.). Criteria applied: PM2_SUP, PM3_STR, PP3, PP4

Ambry Genetics
Classification: Pathogenic for Cystic fibrosis. Last evaluated: 2016-08-09. Review status: criteria provided, single submitter. Criteria: Ambry Variant Classification Scheme 2023. Collection method: clinical testing. Allele origin: germline.
Comment: The p.L571S pathogenic mutation (also known as c.1712T>C), located in coding exon 13 of the CFTR gene, results from a T to C substitution at nucleotide position 1712. The leucine at codon 571 is replaced by serine, an amino acid with dissimilar properties. This alteration was seen in a patient with cystic fibrosis (CF) who was reported to have p.R347P in the second allele (Varon R et al. Hum. Mutat., 1995;6:219-25). This alteration was also described as homozygous in another CF patient (Onay T et al. Hum. Genet., 1998 Feb;102:224-30). In addition, this alteration has been detected in a few CF cohorts (Angelicheva D et al. Hum. Genet., 1997 Apr;99:513-20; Casals T et al. Hum. Genet., 1997 Dec;101:365-70; Alonso MJ et al. Ann. Hum. Genet., 2007 Mar;71:194-201). Bases on the available evidence, p.L571S is classified as a pathogenic mutation.

Natera, Inc.
Classification: Likely pathogenic for CFTR-related disorders. Last evaluated: 2020-05-09. Review status: no assertion criteria provided. Collection method: clinical testing. Allele origin: germline. Not counted in ClinVar's aggregate classification.

ClinVar Staff, National Center for Biotechnology Information (NCBI)
No classification provided. Condition: CFTR-related disorders. Review status: no classification provided. Collection method: literature only. Allele origin: germline. Affected: yes. Not counted in ClinVar's aggregate classification.

Literature cited by the submitters: PubMed 8535440 (cited by 3 submitters); PubMed 9099843 (cited by 3 submitters); PubMed 9439669 (cited by 3 submitters); PubMed 9521595 (cited by Labcorp Genetics (formerly Invitae), Labcorp and Ambry Genetics); PubMed 17331079 (cited by 4 submitters); PubMed 15121783 (cited by Women's Health and Genetics/Laboratory Corporation of America, LabCorp); PubMed 12439892 (cited by Women's Health and Genetics/Laboratory Corporation of America, LabCorp); PubMed 25735457 (cited by Women's Health and Genetics/Laboratory Corporation of America, LabCorp); PubMed 25910067 (cited by Women's Health and Genetics/Laboratory Corporation of America, LabCorp); PubMed 28736296 (cited by Women's Health and Genetics/Laboratory Corporation of America, LabCorp); PubMed 26429520 (cited by Women's Health and Genetics/Laboratory Corporation of America, LabCorp); PubMed 11446424 (cited by Women's Health and Genetics/Laboratory Corporation of America, LabCorp); PubMed 38388235 (cited by Women's Health and Genetics/Laboratory Corporation of America, LabCorp).

NM_000492.4(CFTR):c.1712T>C (p.Leu571Ser)

Gene: CFTR (CF transmembrane conductance regulator; plus strand). Cytogenetic location: 7q31.2.
Variant type: single nucleotide variant.
Coding change: c.1712T>C on transcript NM_000492.4 (MANE Select); coding-DNA position 1712, T replaced by C.
Protein change: p.Leu571Ser; replaces leucine 571 with serine.
Molecular consequence: missense variant.
Genome position (GRCh38, 1-based): chr7:117,590,385, T>C. VCF-style: chr7-117590385-T-C. GRCh37 (hg19) VCF-style: chr7-117230439-T-C.
Other names: short protein forms L571S.
Identifiers: ClinVar variation 53356 (VCV000053356.13), dbSNP rs397508280, ClinGen allele CA326629.
Genomic context (GRCh38, chr7:117,590,385, plus strand): 5'-TGTAATTTAATTTCCATTTTCTTTTTAGAGCAGTATACAAAGATGCTGATTTGTATTTAT[T>C]AGACTCTCCTTTTGGATACCTAGATGTTTTAACAGAAAAAGAAATATTTGAAAGGTATGT-3'
Protein context (NP_000483.3, residues 561-581): AVYKDADLYL[Leu571Ser]DSPFGYLDVL